The following is an entry in ClinVar:

ClinVar aggregate classification (germline): Uncertain significance (1 of 4 stars; one submission).

Conditions:
Emery-Dreifuss muscular dystrophy 5, autosomal dominant (EDMD5). Also called: EMERY-DREIFUSS MUSCULAR DYSTROPHY 5. Identifiers: Orphanet 261, MedGen C2751805, MONDO:0013072, OMIM 612999.

gnomAD v4.1: 1 of 1,614,124 alleles (0.000062%); highest among the groups gnomAD compares: Admixed American, 0.0017%; no homozygotes.

Submission:

Labcorp Genetics (formerly Invitae), Labcorp
Classification: Uncertain significance for Emery-Dreifuss muscular dystrophy 5, autosomal dominant. Last evaluated: 2025-10-29. Review status: criteria provided, single submitter. Criteria: Invitae Variant Classification Sherloc (09022015). Collection method: clinical testing. Allele origin: germline.
Comment: This sequence change replaces valine, which is neutral and non-polar, with aspartic acid, which is acidic and polar, at codon 3337 of the SYNE2 protein (p.Val3337Asp). This variant is present in population databases (rs773733885, gnomAD 0.003%). This variant has not been reported in the literature in individuals affected with SYNE2-related conditions. An algorithm developed to predict the effect of missense changes on protein structure and function (PolyPhen-2) suggests that this variant is likely to be tolerated. In summary, the available evidence is currently insufficient to determine the role of this variant in disease. Therefore, it has been classified as a Variant of Uncertain Significance.

NM_182914.3(SYNE2):c.10010T>A (p.Val3337Asp)

Gene: SYNE2 (spectrin repeat containing nuclear envelope protein 2; plus strand). Cytogenetic location: 14q23.2.
Variant type: single nucleotide variant.
Coding change: c.10010T>A on transcript NM_182914.3 (MANE Select); coding-DNA position 10010, T replaced by A.
Protein change: p.Val3337Asp; replaces valine 3337 with aspartic acid.
Molecular consequence: missense variant.
Genome position (GRCh38, 1-based): chr14:64,056,209, T>A. VCF-style: chr14-64056209-T-A. GRCh37 (hg19) VCF-style: chr14-64522927-T-A.
Other names: c.10010T>A, p.Val3337Asp (NM_015180.6); short protein forms V3337D.
Identifiers: ClinVar variation 4798485 (VCV004798485.1).